The following is an entry in ClinVar:

NM_022132.5(MCCC2):c.1100T>C (p.Val367Ala)

Gene: MCCC2 (methylcrotonyl-CoA carboxylase subunit 2; plus strand). Cytogenetic location: 5q13.2.
Variant type: single nucleotide variant.
Coding change: c.1100T>C on transcript NM_022132.5 (MANE Select); coding-DNA position 1100, T replaced by C.
Protein change: p.Val367Ala; replaces valine 367 with alanine.
Molecular consequence: missense variant.
Genome position (GRCh38, 1-based): chr5:71,643,846, T>C. VCF-style: chr5-71643846-T-C. GRCh37 (hg19) VCF-style: chr5-70939673-T-C.
Other names: c.986T>C, p.Val329Ala (NM_001363147.1); short protein forms V329A, V367A.
Identifiers: ClinVar variation 2385438 (VCV002385438.5), dbSNP rs773098136, ClinGen allele CA3298027.

ClinVar aggregate classification (germline): Uncertain significance. Review status: criteria provided, multiple submitters, no conflicts (2 of 4 stars). 2 submissions from 2 submitters: Uncertain significance (2). Last evaluated 2023-06-16.

Conditions:
Inborn genetic diseases. Identifiers: MedGen C0950123, MeSH D030342.
3-methylcrotonyl-CoA carboxylase 2 deficiency. Also called: 3 alpha methylcrotonyl-CoA carboxylase 2 deficiency; 3 alpha methylcrotonylglycinuria 2; MCC 2 deficiency; Methylcrotonylglycinuria type 2; METHYLCROTONYLGLYCINURIA, TYPE II. Identifiers: Orphanet 6, MedGen C1859499, MONDO:0008862, OMIM 210210.

Allele frequency attached by ClinVar (database versions not stated): ExAC 0.00001; gnomAD exomes 0.00001; TOPMed 0.00002.
gnomAD v4.1: 7 of 1,614,114 alleles (0.00043%); highest among the groups gnomAD compares: Admixed American, 0.01%; no homozygotes.

Submissions (2):

Labcorp Genetics (formerly Invitae), Labcorp
Classification: Uncertain significance for 3-methylcrotonyl-CoA carboxylase 2 deficiency. Last evaluated: 2023-06-16. Review status: criteria provided, single submitter. Criteria: Invitae Variant Classification Sherloc (09022015). Collection method: clinical testing. Allele origin: germline.
Comment: This variant has not been reported in the literature in individuals affected with MCCC2-related conditions. This variant is present in population databases (rs773098136, gnomAD 0.01%). This sequence change replaces valine, which is neutral and non-polar, with alanine, which is neutral and non-polar, at codon 367 of the MCCC2 protein (p.Val367Ala). In summary, the available evidence is currently insufficient to determine the role of this variant in disease. Therefore, it has been classified as a Variant of Uncertain Significance. Advanced modeling of protein sequence and biophysical properties (such as structural, functional, and spatial information, amino acid conservation, physicochemical variation, residue mobility, and thermodynamic stability) performed at Invitae indicates that this missense variant is not expected to disrupt MCCC2 protein function. ClinVar contains an entry for this variant (Variation ID: 2385438).

Ambry Genetics
Classification: Uncertain significance for Inborn genetic diseases. Last evaluated: 2021-07-14. Review status: criteria provided, single submitter. Criteria: Ambry Variant Classification Scheme 2023. Collection method: clinical testing. Allele origin: germline.